The following is an entry in ClinVar:

ClinVar aggregate classification (germline): Benign/Likely benign. Review status: criteria provided, multiple submitters, no conflicts (2 of 4 stars). 4 submissions from 4 submitters: Benign (1); Likely benign (3). Last evaluated 2026-09-23.

Conditions:
Inborn genetic diseases. Identifiers: MedGen C0950123, MeSH D030342.
Brachyolmia-amelogenesis imperfecta syndrome. Also called: PLATYSPONDYLY WITH AMELOGENESIS IMPERFECTA; Tooth agenesis, selective, 6; Dental anomalies and short stature. Identifiers: Orphanet 2899, MedGen C1832594, MONDO:0011018, OMIM 601216. Disease mechanism: loss of function.
LTBP3-related disorder. Also called: LTBP3-related condition.

Allele frequency attached by ClinVar (database versions not stated): gnomAD 0.00004 and 0.00024; TOPMed 0.00006; gnomAD exomes 0.00038 and 0.00068; ExAC 0.00074; 1000 Genomes Project 30x 0.00141; 1000 Genomes Project 0.00180.
gnomAD v4.1: 603 of 1,614,066 alleles (0.037%); highest among the groups gnomAD compares: South Asian, 0.55%; 4 homozygotes.

Submissions (4):

PreventionGenetics, part of Exact Sciences
Classification: Likely benign for LTBP3-related condition. Last evaluated: 2026-09-23. Review status: criteria provided, single submitter. Criteria: ACMG Guidelines, 2015. Collection method: clinical testing. Allele origin: germline.
Comment: This variant is classified as likely benign based on ACMG/AMP sequence variant interpretation guidelines (Richards et al. 2015 PMID: 25741868, with internal and published modifications).

Labcorp Genetics (formerly Invitae), Labcorp
Classification: Benign for Brachyolmia-amelogenesis imperfecta syndrome. Last evaluated: 2025-11-13. Review status: criteria provided, single submitter. Criteria: Invitae Variant Classification Sherloc (09022015). Collection method: clinical testing. Allele origin: germline.

Blueprint Genetics
Classification: Likely benign. Last evaluated: 2024-11-19. Review status: criteria provided, single submitter. Criteria: ACMG Guidelines, 2015. Collection method: clinical testing. Allele origin: germline.

Ambry Genetics
Classification: Likely benign for Inborn genetic diseases. Last evaluated: 2022-02-10. Review status: criteria provided, single submitter. Criteria: Ambry Variant Classification Scheme 2023. Collection method: clinical testing. Allele origin: germline.

NM_001130144.3(LTBP3):c.1556G>A (p.Ser519Asn)

Gene: LTBP3 (latent transforming growth factor beta binding protein 3; minus strand). Cytogenetic location: 11q13.1.
Variant type: single nucleotide variant.
Coding change: c.1556G>A on transcript NM_001130144.3 (MANE Select); coding-DNA position 1556, G replaced by A.
Protein change: p.Ser519Asn; replaces serine 519 with asparagine.
Molecular consequence: missense variant.
Genome position (GRCh38, 1-based): chr11:65,551,467, C>T on the plus strand (G>A on the coding strand, the complement: LTBP3 is on the minus strand). VCF-style: chr11-65551467-C-T. GRCh37 (hg19) VCF-style: chr11-65318938-C-T.
Other names: c.1205G>A, p.Ser402Asn (NM_001164266.1); c.1556G>A, p.Ser519Asn (NM_021070.4); short protein forms S402N, S519N.
Identifiers: ClinVar variation 1637166 (VCV001637166.12), dbSNP rs570380350, ClinGen allele CA6100927.
Genomic context (GRCh38, chr11:65,551,467, plus strand): 5'-TAGGGCCGGGCAGGAGTCGTGGTGGCAGTTGGGTGGCTCTGCTGCACTGACCTCTCCTCA[C>T]TCACCGGCTGCGGGTGACAGCAGCATGAGCCCTCCTGTCCCTCGCCTGCCCACCCCTCCC-3'
Protein context (NP_001123616.1, residues 509-529): ERGVTTDSPV[Ser519Asn]EERSVQQSHP